The following is an entry in ClinVar:

ClinVar aggregate classification (germline): Uncertain significance (1 of 4 stars; one submission).

gnomAD v4.1: 11 of 1,613,358 alleles (0.00068%); highest among the groups gnomAD compares: African/African-American, 0.0013%; no homozygotes.

Submission:

Labcorp Genetics (formerly Invitae), Labcorp
Classification: Uncertain significance. Last evaluated: 2024-08-20. Review status: criteria provided, single submitter. Criteria: Invitae Variant Classification Sherloc (09022015). Collection method: clinical testing. Allele origin: germline.
Comment: This sequence change replaces arginine, which is basic and polar, with cysteine, which is neutral and slightly polar, at codon 342 of the SLCO5A1 protein (p.Arg342Cys). This variant is present in population databases (rs755175255, gnomAD 0.003%). This variant has not been reported in the literature in individuals affected with SLCO5A1-related conditions. An algorithm developed to predict the effect of missense changes on protein structure and function (PolyPhen-2) suggests that this variant is likely to be disruptive. In summary, the available evidence is currently insufficient to determine the role of this variant in disease. Therefore, it has been classified as a Variant of Uncertain Significance.

NM_030958.3(SLCO5A1):c.1024C>T (p.Arg342Cys)

Gene: SLCO5A1 (solute carrier organic anion transporter family member 5A1; minus strand). Cytogenetic location: 8q13.3.
Variant type: single nucleotide variant.
Coding change: c.1024C>T on transcript NM_030958.3 (MANE Select); coding-DNA position 1024, C replaced by T.
Protein change: p.Arg342Cys; replaces arginine 342 with cysteine.
Molecular consequence: missense variant.
Genome position (GRCh38, 1-based): chr8:69,761,759, G>A on the plus strand (C>T on the coding strand, the complement: SLCO5A1 is on the minus strand). VCF-style: chr8-69761759-G-A. GRCh37 (hg19) VCF-style: chr8-70673994-G-A.
Other names: c.1024C>T, p.Arg342Cys (NM_001146008.2, NM_001146009.1); short protein forms R342C.
Identifiers: ClinVar variation 3617975 (VCV003617975.2).